The following is an entry in ClinVar:

NM_001042492.3(NF1):c.8161-3C>T

Gene: NF1 (neurofibromin 1; plus strand). Cytogenetic location: 17q11.2.
Variant type: single nucleotide variant.
Coding change: c.8161-3C>T on transcript NM_001042492.3 (MANE Select); 3 bases into the intron before coding-DNA position 8161, C replaced by T.
Molecular consequence: intron variant.
Genome position (GRCh38, 1-based): chr17:31,360,484, C>T. VCF-style: chr17-31360484-C-T. GRCh37 (hg19) VCF-style: chr17-29687502-C-T.
Other names: c.8098-3C>T (NM_000267.4).
Identifiers: ClinVar variation 187374 (VCV000187374.14), dbSNP rs786203684, ClinGen allele CA197486.

ClinVar aggregate classification (germline): Conflicting classifications of pathogenicity. Review status: criteria provided, conflicting classifications (1 of 4 stars). 5 submissions from 4 submitters: Uncertain significance (2); Likely benign (3). Last evaluated 2025-10-31.

Conditions:
Hereditary cancer-predisposing syndrome. Also called: Hereditary Cancer Syndrome; Neoplastic Syndromes, Hereditary; Tumor predisposition; Hereditary neoplastic syndrome. Identifiers: Orphanet 140162, MedGen C0027672, MeSH D009386, MONDO:0015356.
Cardiovascular phenotype. Identifiers: MedGen CN230736.
Neurofibromatosis, type 1 (NF1). Also called: NEUROFIBROMATOSIS, TYPE I, SOMATIC; VON RECKLINGHAUSEN DISEASE; Peripheral type neurofibromatosis; Neurofibromatosis, type I. Identifiers: Orphanet 636, MedGen C0027831, MONDO:0018975, OMIM 162200. Disease mechanism: loss of function.

Allele frequency attached by ClinVar (database versions not stated): TOPMed below 0.00001; gnomAD exomes below 0.00001.
gnomAD v4.1: 2 of 1,613,108 alleles (0.00012%); highest among the groups gnomAD compares: Non-Finnish European, 0.00017%; no homozygotes.

Submissions (5):

Labcorp Genetics (formerly Invitae), Labcorp
Classification: Likely benign for Neurofibromatosis, type 1. Last evaluated: 2025-10-31. Review status: criteria provided, single submitter. Criteria: Invitae Variant Classification Sherloc (09022015). Collection method: clinical testing. Allele origin: germline.

Laboratory of Genetics, Children's Clinical University Hospital Latvia
Classification: Likely benign. Last evaluated: 2025-02-16. Review status: criteria provided, single submitter. Criteria: ACMG Guidelines, 2015. Collection method: clinical testing. Allele origin: germline. Affected: yes.

Genome-Nilou Lab
Classification: Uncertain significance for Neurofibromatosis, type 1. Last evaluated: 2022-03-15. Review status: criteria provided, single submitter. Criteria: ACMG Guidelines, 2015. Collection method: clinical testing. Allele origin: germline. Affected: no.

Ambry Genetics
Classification: Likely benign for Cardiovascular phenotype; Hereditary cancer-predisposing syndrome. Last evaluated: 2020-10-07. Review status: criteria provided, single submitter. Criteria: Ambry Variant Classification Scheme 2023. Collection method: clinical testing. Allele origin: germline.

Ambry Genetics
Classification: Uncertain significance for Hereditary cancer-predisposing syndrome. Last evaluated: 2014-12-11. Review status: criteria provided, single submitter. Criteria: Ambry Autosomal Dominant and X-Linked criteria (10/2015). Collection method: clinical testing. Allele origin: germline. Observed: 1 variant allele.
Comment: The c.8161-3C>T intronic variant results from a C to T substitution 3 nucleotides upstream from coding exon 57 in the NF1 gene. This variant was not reported in population based cohorts in the following databases: Database of Single Nucleotide Polymorphisms (dbSNP), NHLBI Exome Sequencing Project (ESP), and 1000 Genomes Project. In the ESP, this variant was not observed in 6503 samples (13006 alleles) with coverage at this position. To date, this alteration has been detected with an allele frequency of approximately 0.003% (greater than 30000 alleles tested) in our clinical cohort. This nucleotide position is highly conserved in available vertebrate species. Using two different splice site prediction tools, this alteration is predicted by ESEfinder to weaken the efficacy of the native splice acceptor site, but is not predicted to have a deleterious effect by BDGP; however, direct evidence is unavailable. Since supporting evidence is limited at this time, the clinical significance of c.8161-3C>T remains unclear.